The following is an entry in ClinVar:

NM_152564.5(VPS13B):c.9140T>C (p.Val3047Ala)

Gene: VPS13B (vacuolar protein sorting 13 homolog B; plus strand). Cytogenetic location: 8q22.2.
Variant type: single nucleotide variant.
Coding change: c.9140T>C on transcript NM_152564.5 (MANE Select); coding-DNA position 9140, T replaced by C.
Protein change: p.Val3047Ala; replaces valine 3047 with alanine.
Molecular consequence: missense variant.
Genome position (GRCh38, 1-based): chr8:99,821,439, T>C. VCF-style: chr8-99821439-T-C. GRCh37 (hg19) VCF-style: chr8-100833667-T-C.
Other names: c.9215T>C, p.Val3072Ala (NM_017890.5); short protein forms V3072A, V3047A.
Identifiers: ClinVar variation 2161404 (VCV002161404.2), dbSNP rs1428199086, ClinGen allele CA371779160.

ClinVar aggregate classification (germline): Uncertain significance (1 of 4 stars; one submission).

Conditions:
Cohen syndrome (COH1). Also called: Cutis verticis gyrata, retinitis pigmentosa, and sensorineural deafness; PEPPER SYNDROME. Identifiers: Orphanet 193, MedGen C0265223, MONDO:0008999, OMIM 216550.

Allele frequency attached by ClinVar (database versions not stated): gnomAD 0.00001; TOPMed 0.00001.
gnomAD v4.1: 6 of 1,613,726 alleles (0.00037%); highest among the groups gnomAD compares: Non-Finnish European, 0.00051%; no homozygotes.

Submission:

Labcorp Genetics (formerly Invitae), Labcorp
Classification: Uncertain significance for Cohen syndrome. Last evaluated: 2025-04-28. Review status: criteria provided, single submitter. Criteria: Invitae Variant Classification Sherloc (09022015). Collection method: clinical testing. Allele origin: germline.
Comment: This sequence change replaces valine, which is neutral and non-polar, with alanine, which is neutral and non-polar, at codon 3072 of the VPS13B protein (p.Val3072Ala). This variant is present in population databases (no rsID available, gnomAD 0.0009%). This variant has not been reported in the literature in individuals affected with VPS13B-related conditions. ClinVar contains an entry for this variant (Variation ID: 2161404). Invitae Evidence Modeling of protein sequence and biophysical properties (such as structural, functional, and spatial information, amino acid conservation, physicochemical variation, residue mobility, and thermodynamic stability) indicates that this missense variant is not expected to disrupt VPS13B protein function with a negative predictive value of 80%. In summary, the available evidence is currently insufficient to determine the role of this variant in disease. Therefore, it has been classified as a Variant of Uncertain Significance.